The following is an entry in ClinVar:

NM_000465.4(BARD1):c.291A>G (p.Ile97Met)

Gene: BARD1 (BRCA1 associated RING domain 1; minus strand). Cytogenetic location: 2q35.
Variant type: single nucleotide variant.
Coding change: c.291A>G on transcript NM_000465.4 (MANE Select); coding-DNA position 291, A replaced by G.
Protein change: p.Ile97Met; replaces isoleucine 97 with methionine.
Molecular consequence: missense variant. On other transcripts: non-coding transcript variant (1), intron variant (2).
Genome position (GRCh38, 1-based): chr2:214,792,370, T>C on the plus strand (A>G on the coding strand, the complement: BARD1 is on the minus strand). VCF-style: chr2-214792370-T-C. GRCh37 (hg19) VCF-style: chr2-215657094-T-C.
Other names: c.234A>G, p.Ile78Met (NM_001282543.2); c.291A>G, p.Ile97Met (NM_001282549.2); c.158+17042A>G (NM_001282548.2); c.215+4691A>G (NM_001282545.2); short protein forms I78M, I97M.
Identifiers: ClinVar variation 3645922 (VCV003645922.2).

ClinVar aggregate classification (germline): Uncertain significance (1 of 4 stars; one submission).

Conditions:
Familial cancer of breast. Also called: hereditary breast carcinoma; BREAST CANCER, FAMILIAL; Hereditary breast cancer. Identifiers: Orphanet 227535, MedGen C0346153, MONDO:0016419, OMIM 114480. Disease mechanism: loss of function.

Submission:

Labcorp Genetics (formerly Invitae), Labcorp
Classification: Uncertain significance for Familial cancer of breast. Last evaluated: 2024-04-13. Review status: criteria provided, single submitter. Criteria: Invitae Variant Classification Sherloc (09022015). Collection method: clinical testing. Allele origin: germline.
Comment: This sequence change replaces isoleucine, which is neutral and non-polar, with methionine, which is neutral and non-polar, at codon 97 of the BARD1 protein (p.Ile97Met). This variant is not present in population databases (gnomAD no frequency). This variant has not been reported in the literature in individuals affected with BARD1-related conditions. An algorithm developed to predict the effect of missense changes on protein structure and function (PolyPhen-2) suggests that this variant is likely to be disruptive. In summary, the available evidence is currently insufficient to determine the role of this variant in disease. Therefore, it has been classified as a Variant of Uncertain Significance.